The following is an entry in ClinVar:

NM_001048174.2(MUTYH):c.1434+1G>T

Gene: MUTYH (mutY DNA glycosylase; minus strand). Cytogenetic location: 1p34.1.
Variant type: single nucleotide variant.
Coding change: c.1434+1G>T on transcript NM_001048174.2 (MANE Select); the canonical splice donor site of the intron after coding-DNA position 1434, G replaced by T.
Molecular consequence: splice donor variant.
Genome position (GRCh38, 1-based): chr1:45,330,515, C>A on the plus strand (G>T on the coding strand, the complement: MUTYH is on the minus strand). VCF-style: chr1-45330515-C-A. GRCh37 (hg19) VCF-style: chr1-45796187-C-A.
Other names: c.1434+1G>T (NM_001407072.1, NM_001407073.1, NM_001048171.2 and 6 more transcripts); c.1089+1G>T (NM_001350651.2, NM_001350650.2, NM_001407082.1); c.1158+1G>T (NM_001293192.2, NM_001293196.2, NM_001407091.1); c.1479+1G>T (NM_001293190.2); c.1467+1G>T (NM_001407069.1, NM_001407077.1, NM_001293191.2); c.1509+1G>T (NM_012222.3); c.1518+1G>T (NM_001128425.2); c.1437+1G>T (NM_001407071.1, NM_001048172.2, NM_001407078.1 and 1 more transcripts); and 5 more.
Identifiers: ClinVar variation 231877 (VCV000231877.18), dbSNP rs876659420, ClinGen allele CA10577697.

ClinVar aggregate classification (germline): Pathogenic/Likely pathogenic. Review status: criteria provided, multiple submitters, no conflicts (2 of 4 stars). 4 submissions from 4 submitters: Pathogenic (1); Likely pathogenic (3). Last evaluated 2024-10-01.

Conditions:
Hereditary cancer-predisposing syndrome. Also called: Tumor predisposition; Hereditary Cancer Syndrome; Neoplastic Syndromes, Hereditary; Hereditary neoplastic syndrome. Identifiers: Orphanet 140162, MedGen C0027672, MeSH D009386, MONDO:0015356.
Familial adenomatous polyposis 2. Also called: MYH-associated polyposis; FAP type 2; ADENOMAS, MULTIPLE COLORECTAL, AUTOSOMAL RECESSIVE; MUTYH Polyposis; MUTYH-associated polyposis; MUTYH-related attenuated familial adenomatous polyposis. Identifiers: Orphanet 220460, Orphanet 247798, MedGen C3272841, MONDO:0012041, OMIM 608456.

gnomAD v4.1: 1 of 1,609,110 alleles (0.000062%); highest among the groups gnomAD compares: Non-Finnish European, 0.000085%; no homozygotes.

Submissions (4):

Ambry Genetics
Classification: Likely pathogenic for Hereditary cancer-predisposing syndrome. Last evaluated: 2024-10-01. Review status: criteria provided, single submitter. Criteria: Ambry Variant Classification Scheme 2023. Collection method: clinical testing. Allele origin: germline.
Comment: The c.1518+1G>T intronic variant results from a G to T substitution one nucleotide after coding exon 15 of the MUTYH gene. Alterations that disrupt the canonical splice site are expected to result in aberrant splicing. In silico splice site analysis predicts that this alteration will weaken the native splice donor site. The resulting transcript is predicted to be in-frame and is not expected to trigger nonsense-mediated mRNA decay; however, direct evidence is unavailable. The exact functional effect of the altered amino acid sequence is unknown; however, the impacted region is critical for protein function (Ambry internal data). RNA studies have demonstrated that this alteration results in abnormal splicing in the set of samples tested (Ambry internal data). This variant is considered to be rare based on population cohorts in the Genome Aggregation Database (gnomAD). This nucleotide position is highly conserved in available vertebrate species. Based on the majority of available evidence to date, this variant is likely to be pathogenic.

Labcorp Genetics (formerly Invitae), Labcorp
Classification: Pathogenic for Familial adenomatous polyposis 2. Last evaluated: 2023-09-27. Review status: criteria provided, single submitter. Criteria: Invitae Variant Classification Sherloc (09022015). Collection method: clinical testing. Allele origin: germline.
Comment: This sequence change affects a donor splice site in intron 15 of the MUTYH gene. While this variant is not anticipated to result in nonsense mediated decay, it likely alters RNA splicing and results in a disrupted protein product. This variant is not present in population databases (gnomAD no frequency). Disruption of this splice site has been observed in individual(s) with MUTYH-associated polyposis who also carried a second pathogenic variant in the MUTYH gene (PMID: 16557584, 18515411). ClinVar contains an entry for this variant (Variation ID: 231877). Variants that disrupt the consensus splice site are a relatively common cause of aberrant splicing (PMID: 17576681, 9536098). Algorithms developed to predict the effect of sequence changes on RNA splicing suggest that this variant may disrupt the consensus splice site. This variant disrupts the conserved PCNA binding motif of the MUTYH protein, which has been shown to be critical for MUTYH-PCNA binding and repair efficiency (PMID: 11092888, 26377631, 11433026, 11864576). While functional studies have not been performed to directly test the effect of this variant on MUTYH protein function, this suggests that disruption of this region of the protein is causative of disease. This variant disrupts a region of the MUTYH protein in which other variant(s) (p.Cys517*) have been determined to be pathogenic (Invitae). This suggests that this is a clinically significant region of the protein, and that variants that disrupt it are likely to be disease-causing. For these reasons, this variant has been classified as Pathogenic.

All of Us Research Program, National Institutes of Health
Classification: Likely pathogenic for Familial adenomatous polyposis 2. Last evaluated: 2023-05-15. Review status: criteria provided, single submitter. Criteria: ACMG Guidelines, 2015. Collection method: clinical testing. Allele origin: germline. Inheritance: Autosomal recessive inheritance. Observed: 1 variant allele, 1 heterozygote.
Comment: This variant disrupts a canonical splice site and is predicted to result in abnormal splicing. Aberrant splicing and/or loss of function is an established mechanism of disease. This prediction has not been confirmed by functional studies. This variant is absent from or rare in large population databases, including the Genome Aggregation Database. To date, this variant has not been published in association with human disease.

This study involves interpretation of variants in research participants for the purpose of population health screening. Participant phenotype was not available at the time of variant classification. Additional details can be found in publication PMID: 35346344, PMCID: PMC8962531

Color Diagnostics, LLC DBA Color Health
Classification: Likely pathogenic for Hereditary cancer-predisposing syndrome. Last evaluated: 2020-10-01. Review status: criteria provided, single submitter. Criteria: ACMG Guidelines, 2015. Collection method: clinical testing. Allele origin: germline.
Comment: This variant causes a G to T nucleotide substitution at the +1 position of intron 15 of the MUTYH gene. Splice site prediction tools predict that this variant may have a significant impact on RNA splicing. To our knowledge, functional studies have not been reported for this variant. This variant has not been reported in individuals affected with hereditary cancer in the literature. This variant has not been identified in the general population by the Genome Aggregation Database (gnomAD). Loss of MUTYH function is a known mechanism of disease. Based on the available evidence, this variant is classified as Likely Pathogenic.

Literature cited by the submitters: PubMed 16557584 (cited by Labcorp Genetics (formerly Invitae), Labcorp); PubMed 18515411 (cited by Labcorp Genetics (formerly Invitae), Labcorp); PubMed 17576681 (cited by Labcorp Genetics (formerly Invitae), Labcorp); PubMed 9536098 (cited by Labcorp Genetics (formerly Invitae), Labcorp); PubMed 11092888 (cited by Labcorp Genetics (formerly Invitae), Labcorp); PubMed 26377631 (cited by Labcorp Genetics (formerly Invitae), Labcorp); PubMed 11433026 (cited by Labcorp Genetics (formerly Invitae), Labcorp); PubMed 11864576 (cited by Labcorp Genetics (formerly Invitae), Labcorp).